The following is an entry in ClinVar:

ClinVar aggregate classification (germline): Likely pathogenic (1 of 4 stars; one submission).

Submission:

GeneDx
Classification: Likely pathogenic. Last evaluated: 2026-08-17. Review status: criteria provided, single submitter. Criteria: GeneDx Variant Classification Process June 2021. Collection method: clinical testing. Allele origin: germline.
Comment: Nonsense variant predicted to result in protein truncation or nonsense mediated decay in a gene for which loss of function is a known mechanism of disease; Not observed at significant frequency in large population cohorts (gnomAD); Has not been previously published as pathogenic or benign to our knowledge

NM_003718.5(CDK13):c.2148del (p.Thr715_Tyr716insTer)

Gene: CDK13 (cyclin dependent kinase 13; plus strand). Cytogenetic location: 7p14.1.
Variant type: Deletion.
Coding change: c.2148del on transcript NM_003718.5 (MANE Select); coding-DNA position 2148, one base deleted (C; older notation c.2148delC).
Protein change: p.Thr715_Tyr716insTer.
Molecular consequence: nonsense. On other transcripts: frameshift variant (1).
Genome position (GRCh38, 1-based): chr7:39,999,466, C deleted. VCF-style (leftmost placement, unchanged base first): chr7-39999465-AC-A. GRCh37 (hg19) VCF-style: chr7-40039064-AC-A.
Other names: c.2148delC, p.Tyr716Terfs (NM_031267.4).
Identifiers: ClinVar variation 4074451 (VCV004074451.2).